The following is an entry in ClinVar:

ClinVar aggregate classification (germline): Uncertain significance. Review status: criteria provided, multiple submitters, no conflicts (2 of 4 stars). 2 submissions from 2 submitters: Uncertain significance (2). Last evaluated 2024-05-16.

Conditions:
Hereditary cancer-predisposing syndrome. Also called: Tumor predisposition; Hereditary neoplastic syndrome; Hereditary Cancer Syndrome; Neoplastic Syndromes, Hereditary. Identifiers: Orphanet 140162, MedGen C0027672, MeSH D009386, MONDO:0015356.
Oligodontia-cancer predisposition syndrome. Also called: TOOTH AGENESIS-COLORECTAL CANCER SYNDROME. Identifiers: Orphanet 300576, MedGen C1837750, MONDO:0012075, OMIM 608615. Disease mechanism: loss of function.

gnomAD v4.1: 2 of 1,603,348 alleles (0.00012%); highest among the groups gnomAD compares: Admixed American, 0.0034%; no homozygotes.

Submissions (2):

Ambry Genetics
Classification: Uncertain significance for Hereditary cancer-predisposing syndrome. Last evaluated: 2024-05-16. Review status: criteria provided, single submitter. Criteria: Ambry Variant Classification Scheme 2023. Collection method: clinical testing. Allele origin: germline.
Comment: The p.P71A variant (also known as c.211C>G), located in coding exon 1 of the AXIN2 gene, results from a C to G substitution at nucleotide position 211. The proline at codon 71 is replaced by alanine, an amino acid with highly similar properties. This amino acid position is highly conserved in available vertebrate species. In addition, this alteration is predicted to be tolerated by in silico analysis. Based on the available evidence, the clinical significance of this variant remains unclear.

Labcorp Genetics (formerly Invitae), Labcorp
Classification: Uncertain significance for Oligodontia-cancer predisposition syndrome. Last evaluated: 2022-10-27. Review status: criteria provided, single submitter. Criteria: Invitae Variant Classification Sherloc (09022015). Collection method: clinical testing. Allele origin: germline.
Comment: This sequence change replaces proline, which is neutral and non-polar, with alanine, which is neutral and non-polar, at codon 71 of the AXIN2 protein (p.Pro71Ala). This variant is not present in population databases (gnomAD no frequency). This variant has not been reported in the literature in individuals affected with AXIN2-related conditions. ClinVar contains an entry for this variant (Variation ID: 578327). Advanced modeling of protein sequence and biophysical properties (such as structural, functional, and spatial information, amino acid conservation, physicochemical variation, residue mobility, and thermodynamic stability) performed at Invitae indicates that this missense variant is expected to disrupt AXIN2 protein function. In summary, the available evidence is currently insufficient to determine the role of this variant in disease. Therefore, it has been classified as a Variant of Uncertain Significance.

NM_004655.4(AXIN2):c.211C>G (p.Pro71Ala)

Gene: AXIN2 (axin 2; minus strand). Cytogenetic location: 17q24.1.
Variant type: single nucleotide variant.
Coding change: c.211C>G on transcript NM_004655.4 (MANE Select); coding-DNA position 211, C replaced by G.
Protein change: p.Pro71Ala; replaces proline 71 with alanine.
Molecular consequence: missense variant.
Genome position (GRCh38, 1-based): chr17:65,558,410, G>C on the plus strand (C>G on the coding strand, the complement: AXIN2 is on the minus strand). VCF-style: chr17-65558410-G-C. GRCh37 (hg19) VCF-style: chr17-63554528-G-C.
Other names: c.211C>G, p.Pro71Ala (NM_001363813.1); c.211C>G (LRG_296t1); short protein forms P71A.
Identifiers: ClinVar variation 578327 (VCV000578327.9), dbSNP rs769064498, ClinGen allele CA400681889.